The following is an entry in ClinVar:

NM_001940.4(ATN1):c.3058_3072del (p.Leu1021_Arg1025del)

Gene: ATN1 (atrophin 1; plus strand). Cytogenetic location: 12p13.31.
Variant type: Deletion.
Coding change: c.3058_3072del on transcript NM_001940.4 (MANE Select); coding-DNA positions 3058 to 3072, 15 bases deleted (CGGCTGGCAGCTGAG).
Protein change: p.Leu1021_Arg1025del.
Molecular consequence: inframe deletion.
Genome position (GRCh38, 1-based): chr12:6,939,021-6,939,035, CGGCTGGCAGCTGAG deleted; deleting any 15 consecutive bases within chr12:6,939,015-6,939,035 gives the same sequence; the c. name uses the placement nearest the transcript's 3' end. VCF-style (leftmost placement, unchanged base first): chr12-6939014-TGCTGAGCGGCTGGCA-T. GRCh37 (hg19) VCF-style: chr12-7048177-TGCTGAGCGGCTGGCA-T.
Other names: c.3058_3072del, p.Leu1021_Arg1025del (NM_001007026.2).
Identifiers: ClinVar variation 1310674 (VCV001310674.2), dbSNP rs1945598168, ClinGen allele CA944388487.

ClinVar aggregate classification (germline): Uncertain significance (1 of 4 stars; one submission).

Submission:

GeneDx
Classification: Uncertain significance. Last evaluated: 2019-11-26. Review status: criteria provided, single submitter. Criteria: GeneDx Variant Classification Process June 2021. Collection method: clinical testing. Allele origin: germline. Affected: yes.
Comment: Not observed in large population cohorts (Lek et al., 2016); In-frame deletion of 5 amino acids in a non-repeat region; In silico analysis, which includes protein predictors and evolutionary conservation, supports a deleterious effect; Has not been previously published as pathogenic or benign to our knowledge